The following is an entry in ClinVar:

ClinVar aggregate classification (germline): Benign/Likely benign. Review status: criteria provided, multiple submitters, no conflicts (2 of 4 stars). 6 submissions from 6 submitters: Benign (1); Likely benign (4). 1 of the submissions does not count toward it. Last evaluated 2026-07-01.

Conditions:
Roberts-SC phocomelia syndrome (RBS). Also called: Hypomelia hypotrichosis facial hemangioma syndrome; Pseudothalidomide syndrome; Appelt-Gerken-Lenz syndrome; LONG BONE DEFICIENCIES ASSOCIATED WITH CLEFT LIP-PALATE; ESCO2 Spectrum Disorder. Identifiers: Orphanet 3103, MedGen C0392475, MONDO:0100253, OMIM 268300.

Allele frequency attached by ClinVar (database versions not stated): gnomAD 0.00014 and 0.00036; TOPMed 0.00015; ESP Exome Variant Server 0.00023; gnomAD exomes 0.00064 and 0.00118; ExAC 0.00139; 1000 Genomes Project 30x 0.00265; 1000 Genomes Project 0.00280.
gnomAD v4.1: 990 of 1,610,770 alleles (0.061%); highest among the groups gnomAD compares: South Asian, 0.8%; 4 homozygotes.

Submissions (6):

CeGaT Center for Human Genetics Tuebingen
Classification: Likely benign. Last evaluated: 2026-07-01. Review status: criteria provided, single submitter. Criteria: CeGaT Center For Human Genetics Tuebingen Variant Classification Criteria Version 2. Collection method: clinical testing. Allele origin: germline. Affected: yes. Observed: 1 variant allele.
Comment: ESCO2: BP4

Labcorp Genetics (formerly Invitae), Labcorp
Classification: Likely benign. Last evaluated: 2026-02-01. Review status: criteria provided, single submitter. Criteria: Invitae Variant Classification Sherloc (09022015). Collection method: clinical testing. Allele origin: germline.

Blueprint Genetics
Classification: Likely benign. Last evaluated: 2024-10-23. Review status: criteria provided, single submitter. Criteria: ACMG Guidelines, 2015. Collection method: clinical testing. Allele origin: germline.

Illumina Laboratory Services, Illumina
Classification: Likely benign for Roberts-SC phocomelia syndrome. Last evaluated: 2018-01-13. Review status: criteria provided, single submitter. Criteria: ICSL Variant Classification Criteria 13 December 2019. Collection method: clinical testing. Allele origin: germline.
Comment: This variant was observed in the ICSL laboratory as part of a predisposition screen in an ostensibly healthy population. It had not been previously curated by ICSL or reported in the Human Gene Mutation Database (HGMD: prior to June 1st, 2018), and was therefore a candidate for classification through an automated scoring system. Utilizing variant allele frequency, disease prevalence and penetrance estimates, and inheritance mode, an automated score was calculated to assess if this variant is too frequent to cause the disease. Based on the score and internal cut-off values, a variant classified as likely benign is not then subjected to further curation. The score for this variant resulted in a classification of likely benign for this disease.

Eurofins Ntd Llc (ga)
Classification: Benign. Last evaluated: 2014-12-12. Review status: criteria provided, single submitter. Criteria: EGL Classification Definitions 2015. Collection method: clinical testing. Allele origin: germline. Observed: 1 variant allele, 1 heterozygote.

Natera, Inc.
Classification: Benign for Roberts syndrome. Last evaluated: 2019-10-22. Review status: no assertion criteria provided. Collection method: clinical testing. Allele origin: germline. Not counted in ClinVar's aggregate classification.

NM_001017420.3(ESCO2):c.147C>G (p.Cys49Trp)

Gene: ESCO2 (establishment of sister chromatid cohesion N-acetyltransferase 2; plus strand). Cytogenetic location: 8p21.1.
Variant type: single nucleotide variant.
Coding change: c.147C>G on transcript NM_001017420.3 (MANE Select); coding-DNA position 147, C replaced by G.
Protein change: p.Cys49Trp; replaces cysteine 49 with tryptophan.
Molecular consequence: missense variant.
Genome position (GRCh38, 1-based): chr8:27,776,455, C>G. VCF-style: chr8-27776455-C-G. GRCh37 (hg19) VCF-style: chr8-27633972-C-G.
Other names: short protein forms C49W.
Identifiers: ClinVar variation 196298 (VCV000196298.20), dbSNP rs201989984, ClinGen allele CA202264.